The following is an entry in ClinVar:

NM_000051.4(ATM):c.6113A>G (p.His2038Arg)

Genes: ATM (ATM serine/threonine kinase; plus strand), C11orf65 (chromosome 11 open reading frame 65; minus strand). Cytogenetic location: 11q22.3.
Variant type: single nucleotide variant.
Coding change: c.6113A>G on transcript NM_000051.4 (MANE Select); coding-DNA position 6113, A replaced by G.
Protein change: p.His2038Arg; replaces histidine 2038 with arginine.
Molecular consequence: missense variant. On other transcripts: intron variant (2).
Genome position (GRCh38, 1-based): chr11:108,316,028, A>G. VCF-style: chr11-108316028-A-G. GRCh37 (hg19) VCF-style: chr11-108186755-A-G.
Other names: c.6113A>G, p.His2038Arg (NM_001351834.2); c.641-6957T>C (NM_001330368.2); c.*39-6957T>C (NM_001351110.2); short protein forms H2038R.
Identifiers: ClinVar variation 954618 (VCV000954618.11), dbSNP rs2084612536, ClinGen allele CA382550378.
Genomic context (GRCh38, chr11:108,316,028, plus strand): 5'-TGTGTGTAAAACCCAAAGCTATTTTCACAATCTTTTCTTATAGACTACGAACATATGAAC[A>G]CGAAGCAATGTGGGGCAAAGCCCTAGTAACATATGACCTCGAAACAGCAATCCCCTCATC-3'
Protein context (NP_000042.3, residues 2028-2048): QPITRLRTYE[His2038Arg]EAMWGKALVT

ClinVar aggregate classification (germline): Uncertain significance. Review status: criteria provided, multiple submitters, no conflicts (2 of 4 stars). 2 submissions from 2 submitters: Uncertain significance (2). Last evaluated 2024-08-19.

Conditions:
Hereditary cancer-predisposing syndrome. Also called: Tumor predisposition; Neoplastic Syndromes, Hereditary; Hereditary neoplastic syndrome; Hereditary Cancer Syndrome. Identifiers: Orphanet 140162, MedGen C0027672, MeSH D009386, MONDO:0015356.
Ataxia-telangiectasia syndrome (AT). Also called: Ataxia-telangiectasia, complementation group D; AT, COMPLEMENTATION GROUP C; ATAXIA-TELANGIECTASIA, COMPLEMENTATION GROUP A; ATAXIA-TELANGIECTASIA, FRESNO VARIANT; Ataxia-telangiectasia; Ataxia telangiectasia (A-T). Identifiers: Orphanet 100, MedGen C0004135, MONDO:0008840, OMIM 208900.

Submissions (2):

Ambry Genetics
Classification: Uncertain significance for Hereditary cancer-predisposing syndrome. Last evaluated: 2024-08-19. Review status: criteria provided, single submitter. Criteria: Ambry Variant Classification Scheme 2023. Collection method: clinical testing. Allele origin: germline.
Comment: The p.H2038R variant (also known as c.6113A>G), located in coding exon 41 of the ATM gene, results from an A to G substitution at nucleotide position 6113. The histidine at codon 2038 is replaced by arginine, an amino acid with highly similar properties. This amino acid position is highly conserved in available vertebrate species. In addition, the in silico prediction for this alteration is inconclusive. Based on the available evidence, the clinical significance of this variant remains unclear.

Labcorp Genetics (formerly Invitae), Labcorp
Classification: Uncertain significance for Ataxia-telangiectasia syndrome. Last evaluated: 2019-09-06. Review status: criteria provided, single submitter. Criteria: Invitae Variant Classification Sherloc (09022015). Collection method: clinical testing. Allele origin: germline.
Comment: This sequence change replaces histidine with arginine at codon 2038 of the ATM protein (p.His2038Arg). The histidine residue is highly conserved and there is a small physicochemical difference between histidine and arginine. This variant is not present in population databases (ExAC no frequency). In summary, the available evidence is currently insufficient to determine the role of this variant in disease. Therefore, it has been classified as a Variant of Uncertain Significance. Algorithms developed to predict the effect of missense changes on protein structure and function (SIFT, PolyPhen-2, Align-GVGD) all suggest that this variant is likely to be disruptive, but these predictions have not been confirmed by published functional studies and their clinical significance is uncertain. This variant has not been reported in the literature in individuals with ATM-related conditions.